The following is an entry in ClinVar:

ClinVar aggregate classification (germline): Likely benign (0 of 4 stars; one submission).

Conditions:
MEG3-related disorder. Also called: MEG3-related condition.

Submission:

PreventionGenetics, part of Exact Sciences
Classification: Likely benign for MEG3-related condition. Last evaluated: 2022-07-14. Review status: no assertion criteria provided. Collection method: clinical testing. Allele origin: germline.
Comment: This variant is classified as likely benign based on ACMG/AMP sequence variant interpretation guidelines (Richards et al. 2015 PMID: 25741868, with internal and published modifications).

NR_046473.1(MEG3):n.3109del

Gene: MEG3 (maternally expressed 3; plus strand). Cytogenetic location: 14q32.2.
Variant type: Deletion.
Molecular consequence: non-coding transcript variant (on NR_046473.1).
Genome position: GRCh38 VCF-style: chr14-100847719-TC-T. GRCh37 (hg19) VCF-style: chr14-101314056-TC-T.
Identifiers: ClinVar variation 3035435 (VCV003035435.2), dbSNP rs559255949, ClinGen allele CA266868769.